The following is an entry in ClinVar:

NM_005359.6(SMAD4):c.609A>C (p.Pro203=)

Gene: SMAD4 (SMAD family member 4; plus strand). Cytogenetic location: 18q21.2.
Variant type: single nucleotide variant.
Coding change: c.609A>C on transcript NM_005359.6 (MANE Select); coding-DNA position 609, A replaced by C.
Protein change: p.Pro203=; no amino-acid change (proline 203 retained).
Molecular consequence: synonymous variant.
Genome position (GRCh38, 1-based): chr18:51,054,935, A>C. VCF-style: chr18-51054935-A-C. GRCh37 (hg19) VCF-style: chr18-48581305-A-C.
Identifiers: ClinVar variation 1081233 (VCV001081233.12), dbSNP rs2144419276, ClinGen allele CA503873765.

ClinVar aggregate classification (germline): Benign/Likely benign. Review status: criteria provided, multiple submitters, no conflicts (2 of 4 stars). 3 submissions from 3 submitters: Benign (1); Likely benign (2). Last evaluated 2025-03-19.

Conditions:
Hereditary cancer-predisposing syndrome. Also called: Hereditary Cancer Syndrome; Neoplastic Syndromes, Hereditary; Hereditary neoplastic syndrome; Tumor predisposition. Identifiers: Orphanet 140162, MedGen C0027672, MeSH D009386, MONDO:0015356.
Familial thoracic aortic aneurysm and aortic dissection (TAAD). Also called: Thoracic aortic aneurysms and dissections. Identifiers: Orphanet 91387, MedGen C4707243, MONDO:0019625.
Juvenile polyposis syndrome (JPS). Identifiers: Orphanet 2929, MedGen C0345893, MONDO:0017380, OMIM 174900.
Juvenile polyposis/hereditary hemorrhagic telangiectasia syndrome (JPHT). Also called: JP/HHT SYNDROME; JUVENILE POLYPOSIS WITH HEREDITARY HEMORRHAGIC TELANGIECTASIA; POLYPOSIS, GENERALIZED JUVENILE, WITH PULMONARY ARTERIOVENOUS MALFORMATION; TELANGIECTASIA, HEREDITARY HEMORRHAGIC, WITH JUVENILE POLYPOSIS COLI; Juvenile Polyposis Syndrome / Hereditary Hemorrhagic Telangiectasia (JPS/HHT). Identifiers: Orphanet 2929, MedGen C1832942, MONDO:0008278, OMIM 175050.

Submissions (3):

Myriad Genetics, Inc.
Classification: Benign for Juvenile polyposis/hereditary hemorrhagic telangiectasia syndrome. Last evaluated: 2025-03-19. Review status: criteria provided, single submitter. Criteria: Myriad Autosomal Dominant, Autosomal Recessive and X-Linked Classification Criteria (2023). Collection method: clinical testing. Allele origin: unknown.
Comment: This variant is considered benign. This variant is a silent/synonymous amino acid change and it is not expected to impact splicing.

Labcorp Genetics (formerly Invitae), Labcorp
Classification: Likely benign for Juvenile polyposis syndrome. Last evaluated: 2024-12-18. Review status: criteria provided, single submitter. Criteria: Invitae Variant Classification Sherloc (09022015). Collection method: clinical testing. Allele origin: germline.

Ambry Genetics
Classification: Likely benign for Hereditary cancer-predisposing syndrome; Familial thoracic aortic aneurysm and aortic dissection. Last evaluated: 2019-03-29. Review status: criteria provided, single submitter. Criteria: Ambry Variant Classification Scheme 2023. Collection method: clinical testing. Allele origin: germline.